The following is an entry in ClinVar:

ClinVar aggregate classification (germline): Uncertain significance (1 of 4 stars; one submission).

Submission:

GeneDx
Classification: Uncertain significance. Last evaluated: 2024-07-24. Review status: criteria provided, single submitter. Criteria: GeneDx Variant Classification Process June 2021. Collection method: clinical testing. Allele origin: germline. Affected: yes.
Comment: Not observed at significant frequency in large population cohorts (gnomAD); In silico analysis indicates that this missense variant does not alter protein structure/function; Has not been previously published as pathogenic or benign to our knowledge

NM_173500.4(TTBK2):c.3621G>T (p.Glu1207Asp)

Gene: TTBK2 (tau tubulin kinase 2; minus strand). Cytogenetic location: 15q15.2.
Variant type: single nucleotide variant.
Coding change: c.3621G>T on transcript NM_173500.4 (MANE Select); coding-DNA position 3621, G replaced by T.
Protein change: p.Glu1207Asp; replaces glutamic acid 1207 with aspartic acid.
Molecular consequence: missense variant.
Genome position (GRCh38, 1-based): chr15:42,745,909, C>A on the plus strand (G>T on the coding strand, the complement: TTBK2 is on the minus strand). VCF-style: chr15-42745909-C-A. GRCh37 (hg19) VCF-style: chr15-43038107-C-A.
Other names: short protein forms E1207D.
Identifiers: ClinVar variation 3600971 (VCV003600971.1).